The following is an entry in ClinVar:

NM_006904.7(PRKDC):c.3241G>A (p.Ala1081Thr)

Gene: PRKDC (protein kinase, DNA-activated, catalytic subunit; minus strand). Cytogenetic location: 8q11.21.
Variant type: single nucleotide variant.
Coding change: c.3241G>A on transcript NM_006904.7 (MANE Select); coding-DNA position 3241, G replaced by A.
Protein change: p.Ala1081Thr; replaces alanine 1081 with threonine.
Molecular consequence: missense variant.
Genome position (GRCh38, 1-based): chr8:47,902,597, C>T on the plus strand (G>A on the coding strand, the complement: PRKDC is on the minus strand). VCF-style: chr8-47902597-C-T. GRCh37 (hg19) VCF-style: chr8-48815157-C-T.
Other names: c.3241G>A, p.Ala1081Thr (NM_001081640.2); short protein forms A1081T.
Identifiers: ClinVar variation 1934520 (VCV001934520.5), dbSNP rs2551875540, ClinGen allele CA371156526.

ClinVar aggregate classification (germline): Uncertain significance (1 of 4 stars; one submission).

Conditions:
Severe combined immunodeficiency due to DNA-PKcs deficiency. Also called: IMMUNODEFICIENCY 26 WITH NEUROLOGIC ABNORMALITIES; Immunodeficiency 26 with or without neurologic abnormalities. Identifiers: Orphanet 317425, MedGen C4014833, MONDO:0014423, OMIM 615966.

Submission:

Labcorp Genetics (formerly Invitae), Labcorp
Classification: Uncertain significance for Severe combined immunodeficiency due to DNA-PKcs deficiency. Last evaluated: 2022-07-11. Review status: criteria provided, single submitter. Criteria: Invitae Variant Classification Sherloc (09022015). Collection method: clinical testing. Allele origin: germline.
Comment: In summary, the available evidence is currently insufficient to determine the role of this variant in disease. Therefore, it has been classified as a Variant of Uncertain Significance. Experimental studies and prediction algorithms are not available or were not evaluated, and the functional significance of this variant is currently unknown. This variant has not been reported in the literature in individuals affected with PRKDC-related conditions. This variant is not present in population databases (gnomAD no frequency). This sequence change replaces alanine, which is neutral and non-polar, with threonine, which is neutral and polar, at codon 1081 of the PRKDC protein (p.Ala1081Thr).